The following is an entry in ClinVar:

ClinVar aggregate classification (germline): Pathogenic. Review status: criteria provided, multiple submitters, no conflicts (2 of 4 stars). 2 submissions from 2 submitters: Pathogenic (2). Last evaluated 2025-03-11.

Conditions:
Mucopolysaccharidosis, MPS-II (MPS2). Also called: IDS deficiency; Sulfoiduronate sulfatase deficiency; SIDS deficiency; Mucopolysaccharidosis type 2; Attenuated MPS (subtype; formerly known as mild MPS II); Severe MPS II. Identifiers: Orphanet 580, Orphanet 79388, MedGen C0026705, MONDO:0010674, OMIM 309900.

Submissions (2):

Women's Health and Genetics/Laboratory Corporation of America, LabCorp
Classification: Pathogenic for Mucopolysaccharidosis, MPS-II. Last evaluated: 2025-03-11. Review status: criteria provided, single submitter. Criteria: LabCorp Variant Classification Summary - May 2015. Collection method: clinical testing. Allele origin: germline.
Comment: Variant summary: IDS c.143G>C (p.Arg48Pro) results in a non-conservative amino acid change in the encoded protein sequence. Five of five in-silico tools predict a damaging effect of the variant on protein function. The variant was absent in 177957 control chromosomes (gnomAD). c.143G>C has been reported in the literature in individuals affected with mucopolysaccharidosis type II (Hunter Syndrome) (example: Muenzer_2024, Isogai_1998). These data indicate that the variant is likely to be associated with disease. In vitro functional studies reveal a lack of matured protein in cells transfected with the mutant and reduced residual enzymatic activity (example: Sukegava_1995; Sukegawa-Hasayaka_2006). The following publications have been ascertained in the context of this evaluation (PMID: 9501270, 39303318, 17091340, 7581397). ClinVar contains an entry for this variant (Variation ID: 632860). Based on the evidence outlined above, the variant was classified as pathogenic.

Laboratory of Diagnosis and Therapy of Lysosomal Disorders, University of Padova
Classification: Pathogenic for Mucopolysaccharidosis, MPS-II. Last evaluated: 2024-06-07. Review status: criteria provided, single submitter. Criteria: ACMG Guidelines, 2015. Collection method: literature only. Allele origin: germline. Affected: yes. Observed: 3 variant alleles.
Comment: In vitro or in vivo functional studies supportive of a damaging effect (PS3_Moderate), Absent from controls (or at low frequency) in gnomAD database (PM2_Moderate), Missense variant in a gene with a low rate of benign missense variation (PP2_Supporting), Multiple lines of computational evidence support a deleterious effect (PP3_Supporting), Patient’s phenotype or family history highly specific for the disease (PP4_Strong)

Classification method: ACMG Guidelines [PMID:25741868] with modifications

Literature cited by the submitters: PubMed 39303318 (cited by Women's Health and Genetics/Laboratory Corporation of America, LabCorp); PubMed 9501270 (cited by Women's Health and Genetics/Laboratory Corporation of America, LabCorp and Laboratory of Diagnosis and Therapy of Lysosomal Disorders, University of Padova); PubMed 17091340 (cited by Women's Health and Genetics/Laboratory Corporation of America, LabCorp); PubMed 7581397 (cited by Women's Health and Genetics/Laboratory Corporation of America, LabCorp and Laboratory of Diagnosis and Therapy of Lysosomal Disorders, University of Padova); PubMed 7887413 (cited by Laboratory of Diagnosis and Therapy of Lysosomal Disorders, University of Padova); PubMed 14728992 (cited by Laboratory of Diagnosis and Therapy of Lysosomal Disorders, University of Padova).

NM_000202.8(IDS):c.143G>C (p.Arg48Pro)

Gene: IDS (iduronate 2-sulfatase; minus strand). Cytogenetic location: Xq28.
Variant type: single nucleotide variant.
Coding change: c.143G>C on transcript NM_000202.8 (MANE Select); coding-DNA position 143, G replaced by C.
Protein change: p.Arg48Pro; replaces arginine 48 with proline.
Molecular consequence: missense variant. On other transcripts: 5 prime UTR variant (1), non-coding transcript variant (1).
Genome position (GRCh38, 1-based): chrX:149,504,254, C>G on the plus strand (G>C on the coding strand, the complement: IDS is on the minus strand). VCF-style: chrX-149504254-C-G. GRCh37 (hg19) VCF-style: chrX-148585784-C-G.
Other names: c.-84G>C (NM_001166550.4); c.143G>C, p.Arg48Pro (NM_006123.5); short protein forms R48P.
Identifiers: ClinVar variation 632860 (VCV000632860.4), dbSNP rs1569560528, ClinGen allele CA414527737.